The following is an entry in ClinVar:

NM_000169.3(GLA):c.522T>A (p.Cys174Ter)

Genes: GLA (galactosidase alpha; minus strand), RPL36A-HNRNPH2 (RPL36A-HNRNPH2 readthrough; plus strand). Cytogenetic location: Xq22.1.
Variant type: single nucleotide variant.
Coding change: c.522T>A on transcript NM_000169.3 (MANE Select); coding-DNA position 522, T replaced by A.
Protein change: p.Cys174Ter; replaces cysteine 174 with a stop codon.
Molecular consequence: nonsense. On other transcripts: non-coding transcript variant (3), intron variant (2).
Genome position (GRCh38, 1-based): chrX:101,401,657, A>T on the plus strand (T>A on the coding strand, the complement: GLA is on the minus strand). VCF-style: chrX-101401657-A-T. GRCh37 (hg19) VCF-style: chrX-100656645-A-T.
Other names: c.645T>A, p.Cys215Ter (NM_001406747.1, NM_001406749.1); c.522T>A, p.Cys174Ter (NM_001406748.1); c.300+6200A>T (NM_001199973.2); c.177+9835A>T (NM_001199974.2); short protein forms C174*, C215*.
Identifiers: ClinVar variation 4087162 (VCV004087162.2).

ClinVar aggregate classification (germline): Pathogenic (1 of 4 stars; one submission).

Conditions:
Fabry disease. Also called: ALPHA-GALACTOSIDASE A DEFICIENCY; ANDERSON-FABRY DISEASE; CERAMIDE TRIHEXOSIDASE DEFICIENCY; GLA DEFICIENCY; HEREDITARY DYSTOPIC LIPIDOSIS; Angiokeratoma corporis diffusum. Identifiers: Orphanet 324, MedGen C0002986, MONDO:0010526, OMIM 301500, HP:0001071. Disease mechanism: Fabry disease is due to inactivating mutations in the X-linked GLA gene resulting in deficiency of the enzyme Alpha Galactosidase-A., loss of function.

Submission:

Genomenon, Inc
Classification: Pathogenic for Fabry disease. Last evaluated: 2026-09-08. Review status: criteria provided, single submitter. Criteria: Genomenon Sequence Variant Interpretation Standards - Updated. Collection method: curation. Allele origin: germline. Affected: yes.
Comment: GLA p.Cys174Ter (c.522T>A) is a nonsense variant that introduces a premature stop codon at amino acid position 174 and is predicted to result in a truncated or absent protein product. This variant has been observed in at least one proband with clinical features consistent with Fabry disease (PMID:32442237). It is absent or not present at a significant frequency in gnomAD. In conclusion, we classify GLA p.Cys174Ter (c.522T>A) as a pathogenic variant.

Literature cited by the submitters: PubMed 32442237.